The following is an entry in ClinVar:

ClinVar aggregate classification (germline): Uncertain significance (1 of 4 stars; one submission).

Conditions:
NIK deficiency. Also called: Primary immunodeficiency with multifaceted aberrant lymphoid immunity. Identifiers: Orphanet 447731, MedGen C5680065, MONDO:0018642.

Allele frequency attached by ClinVar (database versions not stated): ExAC 0.00001; gnomAD exomes 0.00001 and 0.00002; TOPMed 0.00001.
gnomAD v4.1: 11 of 1,612,932 alleles (0.00068%); highest among the groups gnomAD compares: Admixed American, 0.0083%; no homozygotes.

Submission:

Labcorp Genetics (formerly Invitae), Labcorp
Classification: Uncertain significance for NIK deficiency. Last evaluated: 2021-03-19. Review status: criteria provided, single submitter. Criteria: Invitae Variant Classification Sherloc (09022015). Collection method: clinical testing. Allele origin: germline.
Comment: This sequence change replaces aspartic acid with asparagine at codon 853 of the MAP3K14 protein (p.Asp853Asn). The aspartic acid residue is highly conserved and there is a small physicochemical difference between aspartic acid and asparagine. In summary, the available evidence is currently insufficient to determine the role of this variant in disease. Therefore, it has been classified as a Variant of Uncertain Significance. Experimental studies and prediction algorithms are not available or were not evaluated, and the functional significance of this variant is currently unknown. This variant has not been reported in the literature in individuals with MAP3K14-related conditions. This variant is present in population databases (rs766785713, ExAC 0.01%).

NM_003954.5(MAP3K14):c.2557G>A (p.Asp853Asn)

Genes: MAP3K14 (mitogen-activated protein kinase kinase kinase 14; minus strand), MAP3K14-AS1 (MAP3K14 antisense RNA 1; plus strand). Cytogenetic location: 17q21.31.
Variant type: single nucleotide variant.
Coding change: c.2557G>A on transcript NM_003954.5 (MANE Select); coding-DNA position 2557, G replaced by A.
Protein change: p.Asp853Asn; replaces aspartic acid 853 with asparagine.
Molecular consequence: missense variant.
Genome position (GRCh38, 1-based): chr17:45,266,558, C>T on the plus strand (G>A on the coding strand, the complement: MAP3K14 is on the minus strand). VCF-style: chr17-45266558-C-T. GRCh37 (hg19) VCF-style: chr17-43343925-C-T.
Other names: short protein forms D853N.
Identifiers: ClinVar variation 1419159 (VCV001419159.6), dbSNP rs766785713, ClinGen allele CA8613847.